The following is an entry in ClinVar:

ClinVar aggregate classification (germline): Uncertain significance (1 of 4 stars; one submission).

gnomAD v4.1: 5 of 1,537,470 alleles (0.00033%); highest among the groups gnomAD compares: Non-Finnish European, 0.00044%; no homozygotes.

Submission:

GeneDx
Classification: Uncertain significance. Last evaluated: 2024-10-08. Review status: criteria provided, single submitter. Criteria: GeneDx Variant Classification Process June 2021. Collection method: clinical testing. Allele origin: germline. Affected: yes.
Comment: Reported as a variant of uncertain significance in a child with episodes of neurological dysfunction during febrile illness, ataxia, progressive vision and hearing difficulties, dystonia, myoclonus, and areflexia; this variant was present in the symptomatic mother but absent in the symptomatic brother (PMID: 34806130); Not observed at significant frequency in large population cohorts (gnomAD); In silico analysis supports that this missense variant has a deleterious effect on protein structure/function; This variant is associated with the following publications: (PMID: 27091223, 34806130)

NM_001127222.2(CACNA1A):c.6583C>G (p.Arg2195Gly)

Gene: CACNA1A (calcium voltage-gated channel subunit alpha1 A; minus strand). Cytogenetic location: 19p13.13.
Variant type: single nucleotide variant.
Coding change: c.6583C>G on transcript NM_001127222.2 (MANE Select); coding-DNA position 6583, C replaced by G.
Protein change: p.Arg2195Gly; replaces arginine 2195 with glycine.
Molecular consequence: missense variant.
Genome position (GRCh38, 1-based): chr19:13,208,953, G>C on the plus strand (C>G on the coding strand, the complement: CACNA1A is on the minus strand). VCF-style: chr19-13208953-G-C. GRCh37 (hg19) VCF-style: chr19-13319767-G-C.
Other names: c.6601C>G, p.Arg2201Gly (NM_000068.4, NM_023035.3); c.6586C>G, p.Arg2196Gly (NM_001127221.2); c.6592C>G, p.Arg2198Gly (NM_001174080.2); short protein forms R2195G, R2196G, R2198G, R2201G.
Identifiers: ClinVar variation 3777548 (VCV003777548.1).